The following is an entry in ClinVar:

NM_001372574.1(ATXN2):c.-162C>G

Genes: ATXN2 (ataxin 2; minus strand), LOC130008792 (ATAC-STARR-seq lymphoblastoid silent region 4873; plus strand). Cytogenetic location: 12q24.12.
Variant type: single nucleotide variant.
Coding change: c.-162C>G on transcript NM_001372574.1 (MANE Select); 162 bases upstream of the start codon, C replaced by G.
Molecular consequence: 5 prime UTR variant. On other transcripts: non-coding transcript variant (1), intron variant (2).
Genome position (GRCh38, 1-based): chr12:111,599,196, G>C on the plus strand (C>G on the coding strand, the complement: ATXN2 is on the minus strand). VCF-style: chr12-111599196-G-C. GRCh37 (hg19) VCF-style: chr12-112037000-G-C.
Other names: c.-162C>G (NM_002973.4); c.-28+379C>G (NM_001310123.1); c.-65+379C>G (NM_001310121.1).
Identifiers: ClinVar variation 128507 (VCV000128507.12), dbSNP rs695871, ClinGen allele CA151997.
Genomic context (GRCh38, chr12:111,599,196, plus strand): 5'-GCGGGGAGGCGCGGGTTGGCGCGGCCGGAGGGGCGCCCGGGCTGGCGAGGGGGAGAAGGA[G>C]GACGACGAAGGGGCGGGGAGGCCCGCCGAGACCAAGGAGCCGCCGGGAGCCGGGCCGAAA-3'

ClinVar aggregate classification (germline): Benign/Likely benign. Review status: criteria provided, multiple submitters, no conflicts (2 of 4 stars). 5 submissions from 5 submitters: Benign (1); Likely benign (1). 3 of the submissions do not count toward it. Last evaluated 2024-11-27.

Conditions:
Spinocerebellar ataxia type 2 (SCA2). Also called: CEREBELLAR DEGENERATION WITH SLOW EYE MOVEMENTS; OLIVOPONTOCEREBELLAR ATROPHY II; SPINOCEREBELLAR ATROPHY II. Identifiers: Orphanet 98756, MedGen C0752121, MONDO:0008458, OMIM 183090.

Allele frequency attached by ClinVar (database versions not stated): 1000 Genomes Project 30x 0.44332; 1000 Genomes Project 0.44429; TOPMed 0.57179; gnomAD 0.60538 and 0.60874; gnomAD exomes 0.75677 and 0.77315; ExAC 0.87500.
gnomAD v4.1: 890,688 of 1,209,904 alleles (74%); highest among the groups gnomAD compares: Non-Finnish European, 78%; 341,473 homozygotes.

Submissions (5):

Blueprint Genetics
Classification: Likely benign. Last evaluated: 2024-11-27. Review status: criteria provided, single submitter. Criteria: ACMG Guidelines, 2015. Collection method: clinical testing. Allele origin: germline.

Breakthrough Genomics
Classification: Benign. Review status: criteria provided, single submitter. Criteria: ACMG Guidelines, 2015. Collection method: not provided. Allele origin: germline. Inheritance: Autosomal dominant inheritance. Affected: yes.

Genome Diagnostics Laboratory, Amsterdam University Medical Center
Classification: Benign for Spinocerebellar ataxia type 2. Last evaluated: 2015-02-07. Review status: no assertion criteria provided. Criteria: ACGS Guidelines, 2013. Collection method: clinical testing. Allele origin: germline. Affected: yes. Study: VKGL Data-share Consensus. Not counted in ClinVar's aggregate classification.

Clinical Genetics, Academic Medical Center
Classification: Benign. Review status: no assertion criteria provided. Collection method: clinical testing. Allele origin: germline. Affected: yes. Study: VKGL Data-share Consensus. Not counted in ClinVar's aggregate classification.

Genetic Services Laboratory, University of Chicago
Classification: Likely benign for AllHighlyPenetrant. Review status: no assertion criteria provided. Collection method: clinical testing. Allele origin: germline. Inheritance: Autosomal dominant inheritance. Not counted in ClinVar's aggregate classification.
Comment: Likely benign based on allele frequency in 1000 Genomes Project or ESP global frequency and its presence in a patient with a rare or unrelated disease phenotype. NOT Sanger confirmed.